The following is an entry in ClinVar:

ClinVar aggregate classification (germline): Uncertain significance (1 of 4 stars; one submission).

Conditions:
Cardiomyopathy (CMYO). Also called: Cardiomyopathies. Identifiers: Orphanet 167848, MedGen C0878544, MONDO:0004994, HP:0001638. Inheritance: Various modes of inheritance.

gnomAD v4.1: 3 of 1,614,170 alleles (0.00019%); highest among the groups gnomAD compares: East Asian, 0.0022%; no homozygotes.

Submission:

Color Diagnostics, LLC DBA Color Health
Classification: Uncertain significance for Cardiomyopathy. Last evaluated: 2024-03-06. Review status: criteria provided, single submitter. Criteria: ACMG Guidelines, 2015. Collection method: clinical testing. Allele origin: germline.
Comment: This missense variant replaces lysine with glutamic acid at codon 1481 of the DSP protein. Computational prediction suggests that this variant may not impact protein structure and function (internally defined REVEL score threshold <= 0.5, PMID: 27666373). To our knowledge, functional studies have not been reported for this variant. This variant has not been reported in individuals affected with cardiovascular disorders in the literature. This variant has not been identified in the general population by the Genome Aggregation Database (gnomAD). The available evidence is insufficient to determine the role of this variant in disease conclusively. Therefore, this variant is classified as a Variant of Uncertain Significance.

NM_004415.4(DSP):c.4441A>G (p.Lys1481Glu)

Gene: DSP (desmoplakin; plus strand). Cytogenetic location: 6p24.3.
Variant type: single nucleotide variant.
Coding change: c.4441A>G on transcript NM_004415.4 (MANE Select); coding-DNA position 4441, A replaced by G.
Protein change: p.Lys1481Glu; replaces lysine 1481 with glutamic acid.
Molecular consequence: missense variant. On other transcripts: intron variant (2).
Genome position (GRCh38, 1-based): chr6:7,580,631, A>G. VCF-style: chr6-7580631-A-G. GRCh37 (hg19) VCF-style: chr6-7580864-A-G.
Other names: c.4050+391A>G (NM_001319034.2); c.3582+859A>G (NM_001008844.3); short protein forms K1481E.
Identifiers: ClinVar variation 1331812 (VCV001331812.3), dbSNP rs1759400634, ClinGen allele CA362686318.
Genomic context (GRCh38, chr6:7,580,631, plus strand): 5'-GAGAGCGTAAGATATAAGCAATCTCTTGATGATGCTGCCAAAACCATCCAGGATAAAAAC[A>G]AGGAGATAGAAAGGTTAAAACAACTGATCGACAAAGAAACAAATGACCGGAAATGCCTGG-3'
Protein context (NP_004406.2, residues 1471-1491): DAAKTIQDKN[Lys1481Glu]EIERLKQLID